The following is an entry in ClinVar:

NM_000051.4(ATM):c.7267G>A (p.Glu2423Lys)

Genes: ATM (ATM serine/threonine kinase; plus strand), C11orf65 (chromosome 11 open reading frame 65; minus strand). Cytogenetic location: 11q22.3.
Variant type: single nucleotide variant.
Coding change: c.7267G>A on transcript NM_000051.4 (MANE Select); coding-DNA position 7267, G replaced by A.
Protein change: p.Glu2423Lys; replaces glutamic acid 2423 with lysine.
Molecular consequence: missense variant. On other transcripts: intron variant (2).
Genome position (GRCh38, 1-based): chr11:108,329,198, G>A. VCF-style: chr11-108329198-G-A. GRCh37 (hg19) VCF-style: chr11-108199925-G-A.
Other names: c.*38+6022C>T (NM_001351110.2); c.7267G>A, p.Glu2423Lys (NM_001351834.2); c.641-20127C>T (NM_001330368.2); short protein forms E2423K.
Identifiers: ClinVar variation 453671 (VCV000453671.16), dbSNP rs1555122245, ClinGen allele CA382559760.

ClinVar aggregate classification (germline): Uncertain significance. Review status: criteria provided, multiple submitters, no conflicts (2 of 4 stars). 2 submissions from 2 submitters: Uncertain significance (2). Last evaluated 2024-11-12.

Conditions:
Hereditary cancer-predisposing syndrome. Also called: Neoplastic Syndromes, Hereditary; Hereditary Cancer Syndrome; Tumor predisposition; Hereditary neoplastic syndrome. Identifiers: Orphanet 140162, MedGen C0027672, MeSH D009386, MONDO:0015356.
Ataxia-telangiectasia syndrome (AT). Also called: LOUIS-BAR SYNDROME; Cerebello-oculocutaneous telangiectasia; Immunodeficiency with ataxia telangiectasia; Ataxia-telangiectasia, complementation group D; AT, COMPLEMENTATION GROUP C; Ataxia-telangiectasia, complementation group E. Identifiers: Orphanet 100, MedGen C0004135, MONDO:0008840, OMIM 208900.

Submissions (2):

Ambry Genetics
Classification: Uncertain significance for Hereditary cancer-predisposing syndrome. Last evaluated: 2024-11-12. Review status: criteria provided, single submitter. Criteria: Ambry Variant Classification Scheme 2023. Collection method: clinical testing. Allele origin: germline.
Comment: The p.E2423K variant (also known as c.7267G>A), located in coding exon 48 of the ATM gene, results from a G to A substitution at nucleotide position 7267. The glutamic acid at codon 2423 is replaced by lysine, an amino acid with similar properties. This amino acid position is highly conserved in available vertebrate species. In addition, the in silico prediction for this alteration is inconclusive. Since supporting evidence is limited at this time, the clinical significance of this alteration remains unclear.

Labcorp Genetics (formerly Invitae), Labcorp
Classification: Uncertain significance for Ataxia-telangiectasia syndrome. Last evaluated: 2023-09-07. Review status: criteria provided, single submitter. Criteria: Invitae Variant Classification Sherloc (09022015). Collection method: clinical testing. Allele origin: germline.
Comment: This sequence change replaces glutamic acid, which is acidic and polar, with lysine, which is basic and polar, at codon 2423 of the ATM protein (p.Glu2423Lys). This variant is not present in population databases (gnomAD no frequency). This variant has not been reported in the literature in individuals affected with ATM-related conditions. ClinVar contains an entry for this variant (Variation ID: 453671). An algorithm developed to predict the effect of missense changes on protein structure and function (PolyPhen-2) suggests that this variant is likely to be disruptive. Algorithms developed to predict the effect of sequence changes on RNA splicing suggest that this variant may disrupt the consensus splice site. In summary, the available evidence is currently insufficient to determine the role of this variant in disease. Therefore, it has been classified as a Variant of Uncertain Significance.